The following is an entry in ClinVar:

ClinVar aggregate classification (germline): Uncertain significance (1 of 4 stars; one submission).

Allele frequency attached by ClinVar (database versions not stated): gnomAD exomes 0.00001.
gnomAD v4.1: 15 of 1,209,064 alleles (0.0012%); highest among the groups gnomAD compares: East Asian, 0.044%; no homozygotes.

Submission:

GeneDx
Classification: Uncertain significance. Last evaluated: 2020-06-25. Review status: criteria provided, single submitter. Criteria: GeneDx Variant Classification Process June 2021. Collection method: clinical testing. Allele origin: germline. Affected: yes.
Comment: Not observed in large population cohorts (Lek et al., 2016); In silico analysis supports that this missense variant does not alter protein structure/function; Has not been previously published as pathogenic or benign to our knowledge

NM_031407.7(HUWE1):c.6322G>A (p.Val2108Met)

Gene: HUWE1 (HECT, UBA and WWE domain containing E3 ubiquitin protein ligase 1; minus strand). Cytogenetic location: Xp11.22.
Variant type: single nucleotide variant.
Coding change: c.6322G>A on transcript NM_031407.7 (MANE Select); coding-DNA position 6322, G replaced by A.
Protein change: p.Val2108Met; replaces valine 2108 with methionine.
Molecular consequence: missense variant.
Genome position (GRCh38, 1-based): chrX:53,569,818, C>T on the plus strand (G>A on the coding strand, the complement: HUWE1 is on the minus strand). VCF-style: chrX-53569818-C-T. GRCh37 (hg19) VCF-style: chrX-53596778-C-T.
Other names: short protein forms V2108M.
Identifiers: ClinVar variation 1312833 (VCV001312833.2), dbSNP rs2062736777, ClinGen allele CA413166078.
Genomic context (GRCh38, chrX:53,569,818, plus strand): 5'-TGTCCTTGTCTTCTGCATTCTGGGTATGTGGGAGCAGGTGGTCCAGAACAAAAGCTAGCA[C>T]ACTGCAGTCCTGAAAAGTCATGAATCACGACATTTACTTACAAGCACAATTATGCCATAT-3'
Protein context (NP_113584.3, residues 2098-2118): QSELIKEDCS[Val2108Met]LAFVLDHLLP